The following is an entry in ClinVar:

NM_002519.3(NPAT):c.2799A>G (p.Ile933Met)

Gene: NPAT (nuclear protein, coactivator of histone transcription; minus strand). Cytogenetic location: 11q22.3.
Variant type: single nucleotide variant.
Coding change: c.2799A>G on transcript NM_002519.3 (MANE Select); coding-DNA position 2799, A replaced by G.
Protein change: p.Ile933Met; replaces isoleucine 933 with methionine.
Molecular consequence: missense variant.
Genome position (GRCh38, 1-based): chr11:108,170,030, T>C on the plus strand (A>G on the coding strand, the complement: NPAT is on the minus strand). VCF-style: chr11-108170030-T-C. GRCh37 (hg19) VCF-style: chr11-108040757-T-C.
Other names: c.2799A>G, p.Ile933Met (NM_001321307.1); short protein forms I933M.
Identifiers: ClinVar variation 1796110 (VCV001796110.2), dbSNP rs2496711525, ClinGen allele CA382512204.
Genomic context (GRCh38, chr11:108,170,030, plus strand): 5'-CACAGATACTGGGATCATCCCTACCATTCCTTGGAGTACAGGCTGGACTGGAGAGGCAAT[T>C]ATTATGGCAGATCCTAAAAAAACAATTCTTGTTAAAAAAAGATTTTCTCTGAAATGTTTT-3'
Protein context (NP_002510.2, residues 923-943): SPNFSQGSAI[Ile933Met]IASPVQPVLQ

ClinVar aggregate classification (germline): Uncertain significance (1 of 4 stars; one submission).

Submission:

Ambry Genetics
Classification: Uncertain significance. Last evaluated: 2022-06-03. Review status: criteria provided, single submitter. Criteria: Ambry Variant Classification Scheme 2023. Collection method: clinical testing. Allele origin: germline.
Comment: The p.I933M variant (also known as c.2799A>G), located in coding exon 14 of the NPAT gene, results from an A to G substitution at nucleotide position 2799. The isoleucine at codon 933 is replaced by methionine, an amino acid with highly similar properties. This amino acid position is conserved. In addition, the in silico prediction for this alteration is inconclusive. Since supporting evidence is limited at this time, the clinical significance of this alteration remains unclear.